The following is an entry in ClinVar:

NM_024928.5(STN1):c.296-7A>G

Gene: STN1 (STN1 subunit of CST complex; minus strand). Cytogenetic location: 10q24.33.
Variant type: single nucleotide variant.
Coding change: c.296-7A>G on transcript NM_024928.5 (MANE Select); 7 bases into the intron before coding-DNA position 296, A replaced by G.
Molecular consequence: intron variant.
Genome position (GRCh38, 1-based): chr10:103,900,230, T>C on the plus strand (A>G on the coding strand, the complement: STN1 is on the minus strand). VCF-style: chr10-103900230-T-C. GRCh37 (hg19) VCF-style: chr10-105659988-T-C.
Identifiers: ClinVar variation 1922424 (VCV001922424.3), dbSNP rs370459361, ClinGen allele CA5676654.

ClinVar aggregate classification (germline): Uncertain significance (1 of 4 stars; one submission).

Allele frequency attached by ClinVar (database versions not stated): ExAC 0.00002; gnomAD 0.00003; TOPMed 0.00003; ESP Exome Variant Server 0.00015.
gnomAD v4.1: 35 of 1,613,426 alleles (0.0022%); highest among the groups gnomAD compares: African/African-American, 0.0053%; no homozygotes.

Submission:

Labcorp Genetics (formerly Invitae), Labcorp
Classification: Uncertain significance. Last evaluated: 2025-06-27. Review status: criteria provided, single submitter. Criteria: Invitae Variant Classification Sherloc (09022015). Collection method: clinical testing. Allele origin: germline.
Comment: This sequence change falls in intron 4 of the STN1 gene. It does not directly change the encoded amino acid sequence of the STN1 protein. This variant is present in population databases (rs370459361, gnomAD 0.008%). This variant has been observed in individual(s) with common variable immunodeficiency (PMID: 37944684). ClinVar contains an entry for this variant (Variation ID: 1922424). Algorithms developed to predict the effect of sequence changes on RNA splicing suggest that this variant may disrupt the consensus splice site. In summary, the available evidence is currently insufficient to determine the role of this variant in disease. Therefore, it has been classified as a Variant of Uncertain Significance.

Literature cited by the submitters: PubMed 37944684.